The following is an entry in ClinVar:

ClinVar aggregate classification (germline): Uncertain significance (1 of 4 stars; one submission).

Submission:

CeGaT Center for Human Genetics Tuebingen
Classification: Uncertain significance. Last evaluated: 2025-02-01. Review status: criteria provided, single submitter. Criteria: CeGaT Center For Human Genetics Tuebingen Variant Classification Criteria Version 2. Collection method: clinical testing. Allele origin: germline. Affected: yes. Observed: 1 variant allele.
Comment: ARHGEF10: PM2

NM_014629.4(ARHGEF10):c.289A>C (p.Ile97Leu)

Gene: ARHGEF10 (Rho guanine nucleotide exchange factor 10; plus strand). Cytogenetic location: 8p23.3.
Variant type: single nucleotide variant.
Coding change: c.289A>C on transcript NM_014629.4 (MANE Select); coding-DNA position 289, A replaced by C.
Protein change: p.Ile97Leu; replaces isoleucine 97 with leucine.
Molecular consequence: missense variant.
Genome position (GRCh38, 1-based): chr8:1,859,992, A>C. VCF-style: chr8-1859992-A-C. GRCh37 (hg19) VCF-style: chr8-1808158-A-C.
Other names: c.289A>C, p.Ile97Leu (NM_001308152.2, NM_001308153.3); short protein forms I121L, I97L.
Identifiers: ClinVar variation 3771951 (VCV003771951.13).